The following is an entry in ClinVar:

ClinVar aggregate classification (germline): Uncertain significance (1 of 4 stars; one submission).

Submission:

Labcorp Genetics (formerly Invitae), Labcorp
Classification: Uncertain significance. Last evaluated: 2025-03-30. Review status: criteria provided, single submitter. Criteria: Invitae Variant Classification Sherloc (09022015). Collection method: clinical testing. Allele origin: germline.
Comment: This sequence change replaces glutamine, which is neutral and polar, with arginine, which is basic and polar, at codon 154 of the TSPAN12 protein (p.Gln154Arg). This variant is not present in population databases (gnomAD no frequency). This variant has not been reported in the literature in individuals affected with TSPAN12-related conditions. Invitae Evidence Modeling of protein sequence and biophysical properties (such as structural, functional, and spatial information, amino acid conservation, physicochemical variation, residue mobility, and thermodynamic stability) indicates that this missense variant is expected to disrupt TSPAN12 protein function with a positive predictive value of 80%. In summary, the available evidence is currently insufficient to determine the role of this variant in disease. Therefore, it has been classified as a Variant of Uncertain Significance.

NM_012338.4(TSPAN12):c.461A>G (p.Gln154Arg)

Gene: TSPAN12 (tetraspanin 12; minus strand). Cytogenetic location: 7q31.31.
Variant type: single nucleotide variant.
Coding change: c.461A>G on transcript NM_012338.4 (MANE Select); coding-DNA position 461, A replaced by G.
Protein change: p.Gln154Arg; replaces glutamine 154 with arginine.
Molecular consequence: missense variant.
Genome position (GRCh38, 1-based): chr7:120,810,470, T>C on the plus strand (A>G on the coding strand, the complement: TSPAN12 is on the minus strand). VCF-style: chr7-120810470-T-C. GRCh37 (hg19) VCF-style: chr7-120450524-T-C.
Other names: short protein forms Q154R.
Identifiers: ClinVar variation 4740436 (VCV004740436.1).
Genomic context (GRCh38, chr7:120,810,470, plus strand): 5'-TGAAGGTGCACCACTTACTTCACTCTCTCTACCTCAGAAATTGTAGCACTTACCTCTCTC[T>C]GAAAAAAATTCCAAGCATGAGTAAGCCACCGATATCTAGGTAATCCATAATTTGTCATCC-3'
Protein context (NP_036470.1, residues 144-164): RWLTHAWNFF[Gln154Arg]REFKCCGVVY